The following is an entry in ClinVar:

NM_015559.3(SETBP1):c.2953A>G (p.Ile985Val)

Gene: SETBP1 (SET binding protein 1; plus strand). Cytogenetic location: 18q12.3.
Variant type: single nucleotide variant.
Coding change: c.2953A>G on transcript NM_015559.3 (MANE Select); coding-DNA position 2953, A replaced by G.
Protein change: p.Ile985Val; replaces isoleucine 985 with valine.
Molecular consequence: missense variant.
Genome position (GRCh38, 1-based): chr18:44,952,293, A>G. VCF-style: chr18-44952293-A-G. GRCh37 (hg19) VCF-style: chr18-42532258-A-G.
Other names: c.2953A>G, p.Ile985Val (NM_001379141.1, NM_001379142.1); c.2953A>G (NM_015559.2); short protein forms I985V.
Identifiers: ClinVar variation 1474529 (VCV001474529.9), dbSNP rs377267329, ClinGen allele CA8945828.

ClinVar aggregate classification (germline): Conflicting classifications of pathogenicity. Review status: criteria provided, conflicting classifications (1 of 4 stars). 2 submissions from 2 submitters: Uncertain significance (1); Benign (1). Last evaluated 2026-02-02.

Conditions:
Inborn genetic diseases. Identifiers: MedGen C0950123, MeSH D030342.

Allele frequency attached by ClinVar (database versions not stated): gnomAD exomes 0.00001 and 0.00004; ExAC 0.00002; gnomAD 0.00002; TOPMed 0.00003; ESP Exome Variant Server 0.00008.
gnomAD v4.1: 64 of 1,613,756 alleles (0.004%); highest among the groups gnomAD compares: Non-Finnish European, 0.005%; no homozygotes.

Submissions (2):

Labcorp Genetics (formerly Invitae), Labcorp
Classification: Benign. Last evaluated: 2026-02-02. Review status: criteria provided, single submitter. Criteria: Invitae Variant Classification Sherloc (09022015). Collection method: clinical testing. Allele origin: germline.

Ambry Genetics
Classification: Uncertain significance for Inborn genetic diseases. Last evaluated: 2021-03-25. Review status: criteria provided, single submitter. Criteria: Ambry Variant Classification Scheme 2023. Collection method: clinical testing. Allele origin: germline.
Comment: The c.2953A>G (p.I985V) alteration is located in exon 4 (coding exon 3) of the SETBP1 gene. This alteration results from a A to G substitution at nucleotide position 2953, causing the isoleucine (I) at amino acid position 985 to be replaced by a valine (V). The in silico prediction for the p.I985V alteration is inconclusive. Based on insufficient or conflicting evidence, the clinical significance of this alteration remains unclear.